The following is an entry in ClinVar:

NM_001148.6(ANK2):c.10099T>A (p.Ser3367Thr)

Gene: ANK2 (ankyrin 2; plus strand). Cytogenetic location: 4q26.
Variant type: single nucleotide variant.
Coding change: c.10099T>A on transcript NM_001148.6 (MANE Select); coding-DNA position 10099, T replaced by A.
Protein change: p.Ser3367Thr; replaces serine 3367 with threonine.
Molecular consequence: missense variant. On other transcripts: intron variant (68).
Genome position (GRCh38, 1-based): chr4:113,358,717, T>A. VCF-style: chr4-113358717-T-A. GRCh37 (hg19) VCF-style: chr4-114279873-T-A.
Other names: c.9865T>A, p.Ser3289Thr (NM_001386142.1); c.6499T>A, p.Ser2167Thr (NM_001386166.1); c.10240T>A, p.Ser3414Thr (NM_001386174.1); c.10216T>A, p.Ser3406Thr (NM_001386175.1); c.4412-2106T>A (NM_001386186.2, NM_001386148.2); c.4214-2106T>A (NM_001354269.3); c.4292-2106T>A (NM_001386187.2); c.4253-2106T>A (NM_001386147.1); and 35 more; short protein forms S3367T, S2167T, S3289T, S3406T, S3414T.
Identifiers: ClinVar variation 238565 (VCV000238565.8), dbSNP rs878854255, ClinGen allele CA10582211.

ClinVar aggregate classification (germline): Uncertain significance. Review status: criteria provided, multiple submitters, no conflicts (2 of 4 stars). 2 submissions from 2 submitters: Uncertain significance (2). Last evaluated 2025-07-30.

Conditions:
Cardiovascular phenotype. Identifiers: MedGen CN230736.
Long QT syndrome (LQTS). Identifiers: MedGen C0023976, MeSH D008133, MONDO:0002442. Disease mechanism: loss of function. Inheritance: Various modes of inheritance.

Allele frequency attached by ClinVar (database versions not stated): gnomAD 0.00003.
gnomAD v4.1: 4 of 1,614,016 alleles (0.00025%); no homozygotes.

Submissions (2):

Labcorp Genetics (formerly Invitae), Labcorp
Classification: Uncertain significance for Long QT syndrome. Last evaluated: 2025-07-30. Review status: criteria provided, single submitter. Criteria: Invitae Variant Classification Sherloc (09022015). Collection method: clinical testing. Allele origin: germline.
Comment: This sequence change replaces serine, which is neutral and polar, with threonine, which is neutral and polar, at codon 3367 of the ANK2 protein (p.Ser3367Thr). This variant is not present in population databases (gnomAD no frequency). This variant has not been reported in the literature in individuals affected with ANK2-related conditions. ClinVar contains an entry for this variant (Variation ID: 238565). An algorithm developed to predict the effect of missense changes on protein structure and function outputs the following: PolyPhen-2: "Benign". The threonine amino acid residue is found in multiple mammalian species, which suggests that this missense change does not adversely affect protein function. In summary, the available evidence is currently insufficient to determine the role of this variant in disease. Therefore, it has been classified as a Variant of Uncertain Significance.

Ambry Genetics
Classification: Uncertain significance for Cardiovascular phenotype. Last evaluated: 2023-08-25. Review status: criteria provided, single submitter. Criteria: Ambry Variant Classification Scheme 2023. Collection method: clinical testing. Allele origin: germline.
Comment: The p.S3367T variant (also known as c.10099T>A), located in coding exon 38 of the ANK2 gene, results from a T to A substitution at nucleotide position 10099. The serine at codon 3367 is replaced by threonine, an amino acid with similar properties. This amino acid position is conserved. In addition, this alteration is predicted to be tolerated by in silico analysis. Since supporting evidence is limited at this time, the clinical significance of this alteration remains unclear.